The following is an entry in ClinVar:

ClinVar aggregate classification (germline): Uncertain significance. Review status: criteria provided, multiple submitters, no conflicts (2 of 4 stars). 2 submissions from 2 submitters: Uncertain significance (2). Last evaluated 2026-01-15.

Conditions:
Congenital myasthenic syndrome 4A. Also called: CONGENITAL MYASTHENIC SYNDROME TYPE Ia1; MYASTHENIC SYNDROME, CONGENITAL, 4A, SLOW-CHANNEL, AUTOSOMAL RECESSIVE; Myasthenic syndrome, congenital, 4a, slow-channel. Identifiers: Orphanet 590, MedGen C4225413, MONDO:0011600, OMIM 605809.

Submissions (2):

Labcorp Genetics (formerly Invitae), Labcorp
Classification: Uncertain significance for Congenital myasthenic syndrome 4A. Last evaluated: 2026-01-15. Review status: criteria provided, single submitter. Criteria: Invitae Variant Classification Sherloc (09022015). Collection method: clinical testing. Allele origin: germline.
Comment: This sequence change replaces proline, which is neutral and non-polar, with glutamine, which is neutral and polar, at codon 340 of the CHRNE protein (p.Pro340Gln). The frequency data for this variant in the population databases is considered unreliable, as metrics indicate poor data quality at this position in the gnomAD database. This variant has not been reported in the literature in individuals affected with CHRNE-related conditions. ClinVar contains an entry for this variant (Variation ID: 2440066). Invitae Evidence Modeling of protein sequence and biophysical properties (such as structural, functional, and spatial information, amino acid conservation, physicochemical variation, residue mobility, and thermodynamic stability) indicates that this missense variant is not expected to disrupt CHRNE protein function with a negative predictive value of 95%. In summary, the available evidence is currently insufficient to determine the role of this variant in disease. Therefore, it has been classified as a Variant of Uncertain Significance.

Revvity Omics, Revvity
Classification: Uncertain significance. Last evaluated: 2019-10-01. Review status: criteria provided, single submitter. Criteria: ACMG Guidelines, 2015. Collection method: clinical testing. Allele origin: germline.

NM_000080.4(CHRNE):c.1019C>A (p.Pro340Gln)

Gene: CHRNE (cholinergic receptor nicotinic epsilon subunit; minus strand). Cytogenetic location: 17p13.2.
Variant type: single nucleotide variant.
Coding change: c.1019C>A on transcript NM_000080.4 (MANE Select); coding-DNA position 1019, C replaced by A.
Protein change: p.Pro340Gln; replaces proline 340 with glutamine.
Molecular consequence: missense variant.
Genome position (GRCh38, 1-based): chr17:4,899,481, G>T on the plus strand (C>A on the coding strand, the complement: CHRNE is on the minus strand). VCF-style: chr17-4899481-G-T. GRCh37 (hg19) VCF-style: chr17-4802776-G-T.
Other names: short protein forms P340Q.
Identifiers: ClinVar variation 2440066 (VCV002440066.5), dbSNP rs139922367, ClinGen allele CA8314075.